The following is an entry in ClinVar:

ClinVar aggregate classification (germline): Uncertain significance (1 of 4 stars; one submission).

Conditions:
Cardiovascular phenotype. Identifiers: MedGen CN230736.

Allele frequency attached by ClinVar (database versions not stated): TOPMed below 0.00001.
gnomAD v4.1: 1 of 1,614,112 alleles (0.000062%); highest among the groups gnomAD compares: Non-Finnish European, 0.000085%; no homozygotes.

Submission:

Ambry Genetics
Classification: Uncertain significance for Cardiovascular phenotype. Last evaluated: 2024-02-01. Review status: criteria provided, single submitter. Criteria: Ambry Variant Classification Scheme 2023. Collection method: clinical testing. Allele origin: germline.
Comment: The p.D1769H variant (also known as c.5305G>C), located in coding exon 27 of the SCN10A gene, results from a G to C substitution at nucleotide position 5305. The aspartic acid at codon 1769 is replaced by histidine, an amino acid with similar properties. This amino acid position is conserved. In addition, this alteration is predicted to be deleterious by in silico analysis. Based on the available evidence, the clinical significance of this alteration remains unclear.

NM_006514.4(SCN10A):c.5305G>C (p.Asp1769His)

Gene: SCN10A (sodium voltage-gated channel alpha subunit 10; minus strand). Cytogenetic location: 3p22.2.
Variant type: single nucleotide variant.
Coding change: c.5305G>C on transcript NM_006514.4 (MANE Select); coding-DNA position 5305, G replaced by C.
Protein change: p.Asp1769His; replaces aspartic acid 1769 with histidine.
Molecular consequence: missense variant.
Genome position (GRCh38, 1-based): chr3:38,697,915, C>G on the plus strand (G>C on the coding strand, the complement: SCN10A is on the minus strand). VCF-style: chr3-38697915-C-G. GRCh37 (hg19) VCF-style: chr3-38739406-C-G.
Other names: c.5302G>C, p.Asp1768His (NM_001293306.2); c.5011G>C, p.Asp1671His (NM_001293307.2); short protein forms D1671H, D1768H, D1769H.
Identifiers: ClinVar variation 3225680 (VCV003225680.1), dbSNP rs1285380450, ClinGen allele CA352154046.